The following is an entry in ClinVar:

ClinVar aggregate classification (germline): Uncertain significance. Review status: criteria provided, multiple submitters, no conflicts (2 of 4 stars). 3 submissions from 3 submitters: Uncertain significance (3). Last evaluated 2023-12-24.

Conditions:
Joubert syndrome 24 (JBTS24). Identifiers: Orphanet 475, MedGen C4084841, MONDO:0014724, OMIM 616654.
Meckel syndrome, type 8. Identifiers: Orphanet 564, MedGen C3836857, MONDO:0013482, OMIM 613885.
Inborn genetic diseases. Identifiers: MedGen C0950123, MeSH D030342.
Meckel-Gruber syndrome. Also called: DYSENCEPHALIA SPLANCHNOCYSTICA; GRUBER SYNDROME; Dysencephalia splachnocystica. Identifiers: Orphanet 564, MedGen C0265215, MONDO:0018921.
Joubert syndrome. Also called: CEREBELLOPARENCHYMAL DISORDER IV; JOUBERT-BOLTSHAUSER SYNDROME; Familial aplasia of the vermis. Identifiers: Orphanet 475, MedGen C5979921, MONDO:0018772.

Allele frequency attached by ClinVar (database versions not stated): ExAC 0.00001; gnomAD exomes 0.00002; ESP Exome Variant Server 0.00008.
gnomAD v4.1: 15 of 1,613,796 alleles (0.00093%); highest among the groups gnomAD compares: Middle Eastern, 0.017%; no homozygotes.

Submissions (3):

Fulgent Genetics
Classification: Uncertain significance for Meckel syndrome, type 8; Joubert syndrome 24. Last evaluated: 2023-12-24. Review status: criteria provided, single submitter. Criteria: ACMG Guidelines, 2015. Collection method: clinical testing. Allele origin: germline.

Ambry Genetics
Classification: Uncertain significance for Inborn genetic diseases. Last evaluated: 2023-04-26. Review status: criteria provided, single submitter. Criteria: Ambry Variant Classification Scheme 2023. Collection method: clinical testing. Allele origin: germline.

Labcorp Genetics (formerly Invitae), Labcorp
Classification: Uncertain significance for Joubert syndrome; Meckel-Gruber syndrome. Last evaluated: 2022-09-27. Review status: criteria provided, single submitter. Criteria: Invitae Variant Classification Sherloc (09022015). Collection method: clinical testing. Allele origin: germline.
Comment: This sequence change replaces arginine, which is basic and polar, with histidine, which is basic and polar, at codon 183 of the TCTN2 protein (p.Arg183His). This variant is present in population databases (rs369164141, gnomAD 0.006%). This variant has not been reported in the literature in individuals affected with TCTN2-related conditions. ClinVar contains an entry for this variant (Variation ID: 1463370). Advanced modeling of protein sequence and biophysical properties (such as structural, functional, and spatial information, amino acid conservation, physicochemical variation, residue mobility, and thermodynamic stability) performed at Invitae indicates that this missense variant is expected to disrupt TCTN2 protein function. In summary, the available evidence is currently insufficient to determine the role of this variant in disease. Therefore, it has been classified as a Variant of Uncertain Significance.

NM_024809.5(TCTN2):c.548G>A (p.Arg183His)

Gene: TCTN2 (tectonic family member 2; plus strand). Cytogenetic location: 12q24.31.
Variant type: single nucleotide variant.
Coding change: c.548G>A on transcript NM_024809.5 (MANE Select); coding-DNA position 548, G replaced by A.
Protein change: p.Arg183His; replaces arginine 183 with histidine.
Molecular consequence: missense variant.
Genome position (GRCh38, 1-based): chr12:123,679,273, G>A. VCF-style: chr12-123679273-G-A. GRCh37 (hg19) VCF-style: chr12-124163820-G-A.
Other names: c.545G>A, p.Arg182His (NM_001143850.3); c.548G>A (NM_024809.3); short protein forms R182H, R183H.
Identifiers: ClinVar variation 1463370 (VCV001463370.6), dbSNP rs369164141, ClinGen allele CA6860916.